The following is an entry in ClinVar:

NM_001029896.2(WDR45):c.1027del (p.Cys343fs)

Gene: WDR45 (WD repeat domain 45; minus strand). Cytogenetic location: Xp11.23.
Variant type: Deletion.
Coding change: c.1027del on transcript NM_001029896.2 (MANE Select); coding-DNA position 1027, one base deleted (T; older notation c.1027delT).
Protein change: p.Cys343fs; shifts the reading frame from cysteine 343.
Molecular consequence: frameshift variant.
Genome position (GRCh38, 1-based): chrX:49,074,859, A deleted on the plus strand (T on the coding strand, the reverse complement: WDR45 is on the minus strand). VCF-style (leftmost placement, unchanged base first): chrX-49074858-CA-C. GRCh37 (hg19) VCF-style: chrX-48932517-CA-C.
Other names: c.1030del, p.Cys344fs (NM_007075.4); short protein forms C343fs, C344fs.
Identifiers: ClinVar variation 849996 (VCV000849996.9), dbSNP rs2065026878, ClinGen allele CA916083948.
Genomic context (GRCh38, chrX:49,074,858, plus strand): 5'-GGTCCTTAAAAGTCATCATCATCACAGATGTCAAGGTACACGTCGAAAGCCTCTCTGTTG[CA>C]GTTTCCATCAGGAGTGAAGACATATTTGTGGAAGGTCCCATCTACGCAGATGGCTGGGGG-3'

ClinVar aggregate classification (germline): Likely pathogenic (1 of 4 stars; one submission).

Conditions:
Neurodegeneration with brain iron accumulation 5 (NBIA5). Also called: Beta-propeller protein-associated neurodegeneration; STATIC ENCEPHALOPATHY OF CHILDHOOD WITH NEURODEGENERATION IN ADULTHOOD. Identifiers: Orphanet 329284, MedGen C3550973, MONDO:0010476, OMIM 300894.

Submission:

Labcorp Genetics (formerly Invitae), Labcorp
Classification: Likely pathogenic for Neurodegeneration with brain iron accumulation 5. Last evaluated: 2019-05-21. Review status: criteria provided, single submitter. Criteria: Invitae Variant Classification Sherloc (09022015). Collection method: clinical testing. Allele origin: germline.
Comment: This variant is not present in population databases (ExAC no frequency). This variant has been observed to be de novo in individuals affected with WDR45-related disease (PMID: 24368176, 24896178). In summary, the currently available evidence indicates that the variant is pathogenic, but additional data are needed to prove that conclusively. Therefore, this variant has been classified as Likely Pathogenic. This sequence change results in a frameshift in the WDR45 gene (p.Cys344Alafs*67). While this is not anticipated to result in nonsense mediated decay, it is expected to disrupt the last 18 amino acids of the WDR45 protein and extend the protein by an additional 48 amino acids.

Literature cited by the submitters: PubMed 24368176; PubMed 24896178.